The following is an entry in ClinVar:

NM_001843.4(CNTN1):c.2598C>G (p.Ala866=)

Gene: CNTN1 (contactin 1; plus strand). Cytogenetic location: 12q12.
Variant type: single nucleotide variant.
Coding change: c.2598C>G on transcript NM_001843.4 (MANE Select); coding-DNA position 2598, C replaced by G.
Protein change: p.Ala866=; no amino-acid change (alanine 866 retained).
Molecular consequence: synonymous variant.
Genome position (GRCh38, 1-based): chr12:41,025,224, C>G. VCF-style: chr12-41025224-C-G. GRCh37 (hg19) VCF-style: chr12-41419026-C-G.
Other names: c.2565C>G, p.Ala855= (NM_175038.2).
Identifiers: ClinVar variation 258195 (VCV000258195.32), dbSNP rs140462332, ClinGen allele CA6517188.

ClinVar aggregate classification (germline): Benign/Likely benign. Review status: criteria provided, multiple submitters, no conflicts (2 of 4 stars). 5 submissions from 5 submitters: Benign (1); Likely benign (4). Last evaluated 2025-12-11.

Conditions:
Compton-North congenital myopathy (CMYO12). Identifiers: Orphanet 210163, MedGen C2675527, MONDO:0012929, OMIM 612540.

Allele frequency attached by ClinVar (database versions not stated): 1000 Genomes Project 30x 0.00219; gnomAD exomes 0.00011 and 0.00037; ExAC 0.00050; gnomAD 0.00113 and 0.00120; TOPMed 0.00128; ESP Exome Variant Server 0.00177; 1000 Genomes Project 0.00200.
gnomAD v4.1: 346 of 1,613,946 alleles (0.021%); highest among the groups gnomAD compares: African/African-American, 0.34%; 1 homozygote.

Submissions (5):

Labcorp Genetics (formerly Invitae), Labcorp
Classification: Benign for Compton-North congenital myopathy. Last evaluated: 2025-12-11. Review status: criteria provided, single submitter. Criteria: Invitae Variant Classification Sherloc (09022015). Collection method: clinical testing. Allele origin: germline.

Blueprint Genetics
Classification: Likely benign. Last evaluated: 2024-11-27. Review status: criteria provided, single submitter. Criteria: ACMG Guidelines, 2015. Collection method: clinical testing. Allele origin: germline.

CeGaT Center for Human Genetics Tuebingen
Classification: Likely benign. Last evaluated: 2024-06-01. Review status: criteria provided, single submitter. Criteria: CeGaT Center For Human Genetics Tuebingen Variant Classification Criteria Version 2. Collection method: clinical testing. Allele origin: germline. Affected: yes. Observed: 1 variant allele.
Comment: CNTN1: BP4, BP7

GeneDx
Classification: Likely benign. Last evaluated: 2020-03-10. Review status: criteria provided, single submitter. Criteria: GeneDx Variant Classification Process June 2021. Collection method: clinical testing. Allele origin: germline. Affected: yes.

PreventionGenetics, part of Exact Sciences
Classification: Likely benign. Review status: criteria provided, single submitter. Criteria: ACMG Guidelines, 2015. Collection method: clinical testing. Allele origin: germline.